The following is an entry in ClinVar:

ClinVar aggregate classification (germline): Uncertain significance. Review status: criteria provided, multiple submitters, no conflicts (2 of 4 stars). 2 submissions from 2 submitters: Uncertain significance (2). Last evaluated 2025-03-25.

Conditions:
Multiple endocrine neoplasia, type 1 (MEN1). Also called: MEN I; WERMER SYNDROME; Endocrine adenomatosis multiple; MEN 1; MEA I. Identifiers: Orphanet 652, MedGen C0025267, MeSH D018761, MONDO:0007540, OMIM 131100.
Hereditary cancer-predisposing syndrome. Also called: Neoplastic Syndromes, Hereditary; Tumor predisposition; Hereditary neoplastic syndrome; Hereditary Cancer Syndrome. Identifiers: Orphanet 140162, MedGen C0027672, MeSH D009386, MONDO:0015356.

Submissions (2):

Ambry Genetics
Classification: Uncertain significance for Hereditary cancer-predisposing syndrome. Last evaluated: 2025-03-25. Review status: criteria provided, single submitter. Criteria: Ambry Variant Classification Scheme 2023. Collection method: clinical testing. Allele origin: germline.
Comment: The c.784-10C>A intronic variant results from a C to A substitution 10 nucleotides upstream from coding exon 4 in the MEN1 gene. This nucleotide position is not well conserved in available vertebrate species. In silico splice site analysis predicts that this alteration will weaken the native splice acceptor site and will result in the creation or strengthening of a novel splice acceptor site; however, direct evidence is insufficient at this time (Ambry internal data). Based on the available evidence, the clinical significance of this variant remains unclear.

Labcorp Genetics (formerly Invitae), Labcorp
Classification: Uncertain significance for Multiple endocrine neoplasia, type 1. Last evaluated: 2021-03-21. Review status: criteria provided, single submitter. Criteria: Invitae Variant Classification Sherloc (09022015). Collection method: clinical testing. Allele origin: germline.
Comment: In summary, the available evidence is currently insufficient to determine the role of this variant in disease. Therefore, it has been classified as a Variant of Uncertain Significance. Algorithms developed to predict the effect of sequence changes on RNA splicing suggest that this variant may disrupt the consensus splice site, but this prediction has not been confirmed by published transcriptional studies. This variant has not been reported in the literature in individuals with MEN1-related disease. This variant is not present in population databases (ExAC no frequency). This sequence change falls in intron 4 of the MEN1 gene. It does not directly change the encoded amino acid sequence of the MEN1 protein.

NM_001370259.2(MEN1):c.784-10C>A

Gene: MEN1 (menin 1; minus strand). Cytogenetic location: 11q13.1.
Variant type: single nucleotide variant.
Coding change: c.784-10C>A on transcript NM_001370259.2 (MANE Select); 10 bases into the intron before coding-DNA position 784, C replaced by A.
Molecular consequence: intron variant.
Genome position (GRCh38, 1-based): chr11:64,807,229, G>T on the plus strand (C>A on the coding strand, the complement: MEN1 is on the minus strand). VCF-style: chr11-64807229-G-T. GRCh37 (hg19) VCF-style: chr11-64574701-G-T.
Other names: c.799-10C>A (NM_130804.3, NM_130803.3, NM_000244.4 and 3 more transcripts); c.784-10C>A (NM_130799.3, NM_001370260.2, NM_001370251.2 and 1 more transcripts); c.679-10C>A (NM_001370263.2, NM_001370262.2).
Identifiers: ClinVar variation 527244 (VCV000527244.9), dbSNP rs71526470, ClinGen allele CA658797671.